The following is an entry in ClinVar:

ClinVar aggregate classification (germline): Uncertain significance (1 of 4 stars; one submission).

Allele frequency attached by ClinVar (database versions not stated): gnomAD exomes below 0.00001.
gnomAD v4.1: 2 of 1,613,660 alleles (0.00012%); highest among the groups gnomAD compares: Admixed American, 0.0017%; no homozygotes.

Submission:

Labcorp Genetics (formerly Invitae), Labcorp
Classification: Uncertain significance. Last evaluated: 2021-06-14. Review status: criteria provided, single submitter. Criteria: Invitae Variant Classification Sherloc (09022015). Collection method: clinical testing. Allele origin: germline.
Comment: Algorithms developed to predict the effect of missense changes on protein structure and function are either unavailable or do not agree on the potential impact of this missense change (SIFT: "Tolerated"; PolyPhen-2: "Not Available"; Align-GVGD: "Class C0"). In summary, the available evidence is currently insufficient to determine the role of this variant in disease. Therefore, it has been classified as a Variant of Uncertain Significance. This variant has not been reported in the literature in individuals with PCLO-related conditions. This variant is not present in population databases (ExAC no frequency). This sequence change replaces aspartic acid with asparagine at codon 3160 of the PCLO protein (p.Asp3160Asn). The aspartic acid residue is moderately conserved and there is a small physicochemical difference between aspartic acid and asparagine.

NM_033026.6(PCLO):c.9478G>A (p.Asp3160Asn)

Gene: PCLO (piccolo presynaptic cytomatrix protein; minus strand). Cytogenetic location: 7q21.11.
Variant type: single nucleotide variant.
Coding change: c.9478G>A on transcript NM_033026.6 (MANE Select); coding-DNA position 9478, G replaced by A.
Protein change: p.Asp3160Asn; replaces aspartic acid 3160 with asparagine.
Molecular consequence: missense variant.
Genome position (GRCh38, 1-based): chr7:82,951,110, C>T on the plus strand (G>A on the coding strand, the complement: PCLO is on the minus strand). VCF-style: chr7-82951110-C-T. GRCh37 (hg19) VCF-style: chr7-82580426-C-T.
Other names: c.9478G>A, p.Asp3160Asn (NM_014510.3); short protein forms D3160N.
Identifiers: ClinVar variation 1359154 (VCV001359154.8), dbSNP rs1380005362, ClinGen allele CA367908336.